The following is an entry in ClinVar:

ClinVar aggregate classification (germline): Uncertain significance (1 of 4 stars; one submission).

Submission:

Labcorp Genetics (formerly Invitae), Labcorp
Classification: Uncertain significance. Last evaluated: 2024-07-12. Review status: criteria provided, single submitter. Criteria: Invitae Variant Classification Sherloc (09022015). Collection method: clinical testing. Allele origin: germline.
Comment: This sequence change replaces glycine, which is neutral and non-polar, with alanine, which is neutral and non-polar, at codon 150 of the LOR protein (p.Gly150Ala). This variant is not present in population databases (gnomAD no frequency). This variant has not been reported in the literature in individuals affected with LOR-related conditions. Experimental studies and prediction algorithms are not available or were not evaluated, and the functional significance of this variant is currently unknown. In summary, the available evidence is currently insufficient to determine the role of this variant in disease. Therefore, it has been classified as a Variant of Uncertain Significance.

NM_000427.3(LORICRIN):c.449G>C (p.Gly150Ala)

Gene: LORICRIN (loricrin cornified envelope precursor protein; plus strand). Cytogenetic location: 1q21.3.
Variant type: single nucleotide variant.
Coding change: c.449G>C on transcript NM_000427.3 (MANE Select); coding-DNA position 449, G replaced by C.
Protein change: p.Gly150Ala; replaces glycine 150 with alanine.
Molecular consequence: missense variant.
Genome position (GRCh38, 1-based): chr1:153,261,398, G>C. VCF-style: chr1-153261398-G-C. GRCh37 (hg19) VCF-style: chr1-153233874-G-C.
Other names: short protein forms G150A.
Identifiers: ClinVar variation 3659371 (VCV003659371.2).